The following is an entry in ClinVar:

NM_001128225.3(SLC39A13):c.313C>T (p.Arg105Cys)

Gene: SLC39A13 (solute carrier family 39 member 13; plus strand). Cytogenetic location: 11p11.2.
Variant type: single nucleotide variant.
Coding change: c.313C>T on transcript NM_001128225.3 (MANE Select); coding-DNA position 313, C replaced by T.
Protein change: p.Arg105Cys; replaces arginine 105 with cysteine.
Molecular consequence: missense variant. On other transcripts: non-coding transcript variant (1).
Genome position (GRCh38, 1-based): chr11:47,411,937, C>T. VCF-style: chr11-47411937-C-T. GRCh37 (hg19) VCF-style: chr11-47433488-C-T.
Other names: c.313C>T, p.Arg105Cys (NM_001330245.2, NM_152264.5); short protein forms R105C.
Identifiers: ClinVar variation 1305600 (VCV001305600.26), dbSNP rs374468349, ClinGen allele CA5975736.

ClinVar aggregate classification (germline): Uncertain significance. Review status: criteria provided, multiple submitters, no conflicts (2 of 4 stars). 3 submissions from 3 submitters: Uncertain significance (3). Last evaluated 2024-02-01.

Conditions:
Ehlers-Danlos syndrome, spondylodysplastic type, 3. Also called: Ehlers-Danlos syndrome, spondylocheirodysplastic type. Identifiers: Orphanet 157965, MedGen C2676510, MONDO:0012873, OMIM 612350.

Allele frequency attached by ClinVar (database versions not stated): gnomAD 0.00001; TOPMed 0.00001; ESP Exome Variant Server 0.00008.
gnomAD v4.1: 17 of 1,613,140 alleles (0.0011%); highest among the groups gnomAD compares: Admixed American, 0.0083%; no homozygotes.

Submissions (3):

CeGaT Center for Human Genetics Tuebingen
Classification: Uncertain significance. Last evaluated: 2024-02-01. Review status: criteria provided, single submitter. Criteria: CeGaT Center For Human Genetics Tuebingen Variant Classification Criteria Version 2. Collection method: clinical testing. Allele origin: germline. Affected: yes. Observed: 1 variant allele.
Comment: SLC39A13: PM2

Labcorp Genetics (formerly Invitae), Labcorp
Classification: Uncertain significance for Ehlers-Danlos syndrome, spondylodysplastic type, 3. Last evaluated: 2022-06-27. Review status: criteria provided, single submitter. Criteria: Invitae Variant Classification Sherloc (09022015). Collection method: clinical testing. Allele origin: germline.
Comment: This sequence change replaces arginine, which is basic and polar, with cysteine, which is neutral and slightly polar, at codon 105 of the SLC39A13 protein (p.Arg105Cys). This variant is present in population databases (rs374468349, gnomAD 0.01%). This variant has not been reported in the literature in individuals affected with SLC39A13-related conditions. ClinVar contains an entry for this variant (Variation ID: 1305600). Algorithms developed to predict the effect of missense changes on protein structure and function are either unavailable or do not agree on the potential impact of this missense change (SIFT: "Deleterious"; PolyPhen-2: "Possibly Damaging"; Align-GVGD: "Class C15"). Algorithms developed to predict the effect of sequence changes on RNA splicing suggest that this variant may create or strengthen a splice site. In summary, the available evidence is currently insufficient to determine the role of this variant in disease. Therefore, it has been classified as a Variant of Uncertain Significance.

GeneDx
Classification: Uncertain significance. Last evaluated: 2019-05-06. Review status: criteria provided, single submitter. Criteria: GeneDx Variant Classification Process June 2021. Collection method: clinical testing. Allele origin: germline. Affected: yes.